The following is an entry in ClinVar:

ClinVar aggregate classification (germline): Uncertain significance. Review status: criteria provided, multiple submitters, no conflicts (2 of 4 stars). 2 submissions from 2 submitters: Uncertain significance (2). Last evaluated 2025-12-11.

Conditions:
Inborn genetic diseases. Identifiers: MedGen C0950123, MeSH D030342.

Allele frequency attached by ClinVar (database versions not stated): ExAC 0.00001; gnomAD exomes 0.00004 and 0.00008; TOPMed 0.00005; gnomAD 0.00006 and 0.00007.
gnomAD v4.1: 131 of 1,614,088 alleles (0.0081%); highest among the groups gnomAD compares: Admixed American, 0.018%; no homozygotes.

Submissions (2):

Ambry Genetics
Classification: Uncertain significance for Inborn genetic diseases. Last evaluated: 2025-12-11. Review status: criteria provided, single submitter. Criteria: Ambry Variant Classification Scheme 2023. Collection method: clinical testing. Allele origin: germline.

Labcorp Genetics (formerly Invitae), Labcorp
Classification: Uncertain significance. Last evaluated: 2024-04-08. Review status: criteria provided, single submitter. Criteria: Invitae Variant Classification Sherloc (09022015). Collection method: clinical testing. Allele origin: germline.
Comment: This sequence change replaces methionine, which is neutral and non-polar, with valine, which is neutral and non-polar, at codon 30 of the REST protein (p.Met30Val). This variant is present in population databases (rs758725744, gnomAD 0.01%). This variant has not been reported in the literature in individuals affected with REST-related conditions. ClinVar contains an entry for this variant (Variation ID: 1411012). An algorithm developed to predict the effect of missense changes on protein structure and function (PolyPhen-2) suggests that this variant is likely to be tolerated. In summary, the available evidence is currently insufficient to determine the role of this variant in disease. Therefore, it has been classified as a Variant of Uncertain Significance.

NM_005612.5(REST):c.88A>G (p.Met30Val)

Gene: REST (RE1 silencing transcription factor; plus strand). Cytogenetic location: 4q12.
Variant type: single nucleotide variant.
Coding change: c.88A>G on transcript NM_005612.5 (MANE Select); coding-DNA position 88, A replaced by G.
Protein change: p.Met30Val; replaces methionine 30 with valine.
Molecular consequence: missense variant.
Genome position (GRCh38, 1-based): chr4:56,910,726, A>G. VCF-style: chr4-56910726-A-G. GRCh37 (hg19) VCF-style: chr4-57776892-A-G.
Other names: c.88A>G, p.Met30Val (NM_001193508.2, NM_001363453.3); c.88A>G (NM_005612.4); short protein forms M30V.
Identifiers: ClinVar variation 1411012 (VCV001411012.7), dbSNP rs758725744, ClinGen allele CA2932038.